The following is an entry in ClinVar:

ClinVar aggregate classification (germline): Uncertain significance. Review status: criteria provided, multiple submitters, no conflicts (2 of 4 stars). 2 submissions from 2 submitters: Uncertain significance (2). Last evaluated 2023-10-17.

Conditions:
Inborn genetic diseases. Identifiers: MedGen C0950123, MeSH D030342.

Allele frequency attached by ClinVar (database versions not stated): gnomAD exomes below 0.00001; gnomAD 0.00002; TOPMed 0.00002.
gnomAD v4.1: 8 of 1,597,508 alleles (0.0005%); highest among the groups gnomAD compares: African/African-American, 0.0027%; no homozygotes.

Submissions (2):

Ambry Genetics
Classification: Uncertain significance for Inborn genetic diseases. Last evaluated: 2023-10-17. Review status: criteria provided, single submitter. Criteria: Ambry Variant Classification Scheme 2023. Collection method: clinical testing. Allele origin: germline.

Labcorp Genetics (formerly Invitae), Labcorp
Classification: Uncertain significance. Last evaluated: 2022-01-04. Review status: criteria provided, single submitter. Criteria: Invitae Variant Classification Sherloc (09022015). Collection method: clinical testing. Allele origin: germline.
Comment: Experimental studies and prediction algorithms are not available or were not evaluated, and the functional significance of this variant is currently unknown. In summary, the available evidence is currently insufficient to determine the role of this variant in disease. Therefore, it has been classified as a Variant of Uncertain Significance. This variant has not been reported in the literature in individuals affected with SLC46A1-related conditions. This variant is present in population databases (no rsID available, gnomAD 0.005%). This sequence change replaces leucine, which is neutral and non-polar, with phenylalanine, which is neutral and non-polar, at codon 160 of the SLC46A1 protein (p.Leu160Phe).

NM_080669.6(SLC46A1):c.478C>T (p.Leu160Phe)

Gene: SLC46A1 (solute carrier family 46 member 1; minus strand). Cytogenetic location: 17q11.2.
Variant type: single nucleotide variant.
Coding change: c.478C>T on transcript NM_080669.6 (MANE Select); coding-DNA position 478, C replaced by T.
Protein change: p.Leu160Phe; replaces leucine 160 with phenylalanine.
Molecular consequence: missense variant.
Genome position (GRCh38, 1-based): chr17:28,405,219, G>A on the plus strand (C>T on the coding strand, the complement: SLC46A1 is on the minus strand). VCF-style: chr17-28405219-G-A. GRCh37 (hg19) VCF-style: chr17-26732237-G-A.
Other names: c.478C>T (NM_080669.4); c.478C>T, p.Leu160Phe (NM_001242366.3); short protein forms L160F.
Identifiers: ClinVar variation 1979738 (VCV001979738.5), dbSNP rs1411766250, ClinGen allele CA398351482.